The following is an entry in ClinVar:

NM_000066.4(C8B):c.1681C>T (p.Arg561Cys)

Gene: C8B (complement C8 beta chain; minus strand). Cytogenetic location: 1p32.2.
Variant type: single nucleotide variant.
Coding change: c.1681C>T on transcript NM_000066.4 (MANE Select); coding-DNA position 1681, C replaced by T.
Protein change: p.Arg561Cys; replaces arginine 561 with cysteine.
Molecular consequence: missense variant.
Genome position (GRCh38, 1-based): chr1:56,929,499, G>A on the plus strand (C>T on the coding strand, the complement: C8B is on the minus strand). VCF-style: chr1-56929499-G-A. GRCh37 (hg19) VCF-style: chr1-57395172-G-A.
Other names: c.1525C>T, p.Arg509Cys (NM_001278543.2); c.1495C>T, p.Arg499Cys (NM_001278544.2); short protein forms R499C, R509C, R561C.
Identifiers: ClinVar variation 1497305 (VCV001497305.4), dbSNP rs567887687, ClinGen allele CA875548.

ClinVar aggregate classification (germline): Uncertain significance. Review status: criteria provided, multiple submitters, no conflicts (2 of 4 stars). 2 submissions from 2 submitters: Uncertain significance (2). Last evaluated 2024-01-30.

Allele frequency attached by ClinVar (database versions not stated): gnomAD 0.00004 and 0.00007; TOPMed 0.00004; gnomAD exomes 0.00010; ExAC 0.00012; 1000 Genomes Project 30x 0.00047; 1000 Genomes Project 0.00060.
gnomAD v4.1: 107 of 1,613,740 alleles (0.0066%); highest among the groups gnomAD compares: South Asian, 0.068%; no homozygotes.

Submissions (2):

Blueprint Genetics
Classification: Uncertain significance. Last evaluated: 2024-01-30. Review status: criteria provided, single submitter. Criteria: ACMG Guidelines, 2015. Collection method: clinical testing. Allele origin: germline.

Labcorp Genetics (formerly Invitae), Labcorp
Classification: Uncertain significance. Last evaluated: 2021-10-18. Review status: criteria provided, single submitter. Criteria: Invitae Variant Classification Sherloc (09022015). Collection method: clinical testing. Allele origin: germline.
Comment: This sequence change replaces arginine with cysteine at codon 561 of the C8B protein (p.Arg561Cys). The arginine residue is weakly conserved and there is a large physicochemical difference between arginine and cysteine. This variant is present in population databases (rs567887687, ExAC 0.08%). This variant has not been reported in the literature in individuals affected with C8B-related conditions. Algorithms developed to predict the effect of missense changes on protein structure and function are either unavailable or do not agree on the potential impact of this missense change (SIFT: "Deleterious"; PolyPhen-2: "Possibly Damaging"; Align-GVGD: "Class C0"). In summary, the available evidence is currently insufficient to determine the role of this variant in disease. Therefore, it has been classified as a Variant of Uncertain Significance.